The following is an entry in ClinVar:

ClinVar aggregate classification (germline): Uncertain significance (1 of 4 stars; one submission).

Submission:

Labcorp Genetics (formerly Invitae), Labcorp
Classification: Uncertain significance. Last evaluated: 2024-11-06. Review status: criteria provided, single submitter. Criteria: Invitae Variant Classification Sherloc (09022015). Collection method: clinical testing. Allele origin: germline.
Comment: This sequence change replaces glutamic acid, which is acidic and polar, with lysine, which is basic and polar, at codon 39 of the NR2F1 protein (p.Glu39Lys). The frequency data for this variant in the population databases is considered unreliable, as metrics indicate insufficient coverage at this position in the gnomAD database. This variant has not been reported in the literature in individuals affected with NR2F1-related conditions. Invitae Evidence Modeling of protein sequence and biophysical properties (such as structural, functional, and spatial information, amino acid conservation, physicochemical variation, residue mobility, and thermodynamic stability) indicates that this missense variant is not expected to disrupt NR2F1 protein function with a negative predictive value of 80%. In summary, the available evidence is currently insufficient to determine the role of this variant in disease. Therefore, it has been classified as a Variant of Uncertain Significance.

NM_005654.6(NR2F1):c.115G>A (p.Glu39Lys)

Genes: NR2F1 (nuclear receptor subfamily 2 group F member 1; plus strand), NR2F1-AS1 (NR2F1 regulatory antisense RNA 1; minus strand). Cytogenetic location: 5q15.
Variant type: single nucleotide variant.
Coding change: c.115G>A on transcript NM_005654.6 (MANE Select); coding-DNA position 115, G replaced by A.
Protein change: p.Glu39Lys; replaces glutamic acid 39 with lysine.
Molecular consequence: missense variant.
Genome position (GRCh38, 1-based): chr5:93,585,138, G>A. VCF-style: chr5-93585138-G-A. GRCh37 (hg19) VCF-style: chr5-92920844-G-A.
Other names: short protein forms E39K.
Identifiers: ClinVar variation 3679631 (VCV003679631.1).
Genomic context (GRCh38, chr5:93,585,138, plus strand): 5'-AACCCCGGCGGCCCCAACCCCGCAGCGCAGGCGGCCCGCGGCGGCGGCGGCGGCGCCGGC[G>A]AGCAGCAGCAGCAGGCGGGCTCGGGCGCGCCGCACACGCCGCAGACCCCGGGCCAGCCCG-3'
Protein context (NP_005645.1, residues 29-49): AARGGGGGAG[Glu39Lys]QQQQAGSGAP